The following is an entry in ClinVar:

ClinVar aggregate classification (germline): Uncertain significance (1 of 4 stars; one submission).

Conditions:
Charcot-Marie-Tooth disease type 4. Also called: Charcot-Marie-Tooth disease, type IV; Charcot-Marie-Tooth, Type 4. Identifiers: Orphanet 64749, MedGen C4082197, MONDO:0018995.

Allele frequency attached by ClinVar (database versions not stated): gnomAD exomes below 0.00001; ExAC 0.00001; TOPMed 0.00001.
gnomAD v4.1: 2 of 1,613,666 alleles (0.00012%); highest among the groups gnomAD compares: African/African-American, 0.0027%; no homozygotes.

Submission:

Labcorp Genetics (formerly Invitae), Labcorp
Classification: Uncertain significance for Charcot-Marie-Tooth disease type 4. Last evaluated: 2021-10-21. Review status: criteria provided, single submitter. Criteria: Invitae Variant Classification Sherloc (09022015). Collection method: clinical testing. Allele origin: germline.
Comment: This sequence change replaces isoleucine with threonine at codon 395 of the MTMR2 protein (p.Ile395Thr). The isoleucine residue is highly conserved and there is a moderate physicochemical difference between isoleucine and threonine. In summary, the available evidence is currently insufficient to determine the role of this variant in disease. Therefore, it has been classified as a Variant of Uncertain Significance. Advanced modeling of protein sequence and biophysical properties (such as structural, functional, and spatial information, amino acid conservation, physicochemical variation, residue mobility, and thermodynamic stability) performed at Invitae indicates that this missense variant is expected to disrupt MTMR2 protein function. This variant has not been reported in the literature in individuals affected with MTMR2-related conditions. This variant is present in population databases (rs774525225, ExAC 0.01%).

NM_016156.6(MTMR2):c.1184T>C (p.Ile395Thr)

Gene: MTMR2 (myotubularin related protein 2; minus strand). Cytogenetic location: 11q21.
Variant type: single nucleotide variant.
Coding change: c.1184T>C on transcript NM_016156.6 (MANE Select); coding-DNA position 1184, T replaced by C.
Protein change: p.Ile395Thr; replaces isoleucine 395 with threonine.
Molecular consequence: missense variant.
Genome position (GRCh38, 1-based): chr11:95,845,155, A>G on the plus strand (T>C on the coding strand, the complement: MTMR2 is on the minus strand). VCF-style: chr11-95845155-A-G. GRCh37 (hg19) VCF-style: chr11-95578319-A-G.
Other names: c.968T>C, p.Ile323Thr (NM_001243571.2, NM_201278.3, NM_201281.3); short protein forms I395T, I323T.
Identifiers: ClinVar variation 1437533 (VCV001437533.6), dbSNP rs774525225, ClinGen allele CA6240047.
Genomic context (GRCh38, chr11:95,845,155, plus strand): 5'-ACTACCACAGACGTCTTCCCTGACTCTACCTTGTCAGCAATCCTAAGAGCCCCTGCAAGA[A>G]TAAGCTGGAAAACAGATTTTTTAATACATTGTTTTTAAACAAGGTAAATACTTCCTTCTT-3'
Protein context (NP_057240.3, residues 385-405): STHWLEHIKL[Ile395Thr]LAGALRIADK